The following is an entry in ClinVar:

NM_203447.4(DOCK8):c.1797+71G>A

Gene: DOCK8 (dedicator of cytokinesis 8; plus strand). Cytogenetic location: 9p24.3.
Variant type: single nucleotide variant.
Coding change: c.1797+71G>A on transcript NM_203447.4 (MANE Select); 71 bases into the intron after coding-DNA position 1797, G replaced by A.
Molecular consequence: intron variant.
Genome position (GRCh38, 1-based): chr9:368,206, G>A. VCF-style: chr9-368206-G-A. GRCh37 (hg19) VCF-style: chr9-368206-G-A.
Other names: c.1593+71G>A (NM_001193536.2, NM_001190458.2).
Identifiers: ClinVar variation 3036823 (VCV003036823.3), dbSNP rs192984577, ClinGen allele CA4957899.
Genomic context (GRCh38, chr9:368,206, plus strand): 5'-AAACGAACATTTGCCTCAAATCAGGGTGGGCTGCTCACCCCTGTCACTTCACACAAGTCC[G>A]GGACTCATCAGTGTACAAAGTCCGTCTATTCCAGGCCAATACTGCTCAGCATGTGCAAGG-3'

ClinVar aggregate classification (germline): Likely benign. Review status: criteria provided, single submitter (1 of 4 stars). 2 submissions from 2 submitters: Likely benign (1). 1 of the submissions does not count toward it. Last evaluated 2024-04-18.

Conditions:
DOCK8-related disorder. Also called: DOCK8-related condition.

Allele frequency attached by ClinVar (database versions not stated): gnomAD 0.00005; gnomAD exomes 0.00008; TOPMed 0.00010; ExAC 0.00015; 1000 Genomes Project 30x 0.00016; 1000 Genomes Project 0.00020.
gnomAD v4.1: 92 of 1,271,198 alleles (0.0072%); highest among the groups gnomAD compares: East Asian, 0.083%; no homozygotes.

Submissions (2):

Blueprint Genetics
Classification: Likely benign. Last evaluated: 2024-04-18. Review status: criteria provided, single submitter. Criteria: ACMG Guidelines, 2015. Collection method: clinical testing. Allele origin: germline.

PreventionGenetics, part of Exact Sciences
Classification: Likely benign for DOCK8-related condition. Last evaluated: 2022-11-11. Review status: no assertion criteria provided. Collection method: clinical testing. Allele origin: germline. Not counted in ClinVar's aggregate classification.
Comment: This variant is classified as likely benign based on ACMG/AMP sequence variant interpretation guidelines (Richards et al. 2015 PMID: 25741868, with internal and published modifications).